The following is an entry in ClinVar:

ClinVar aggregate classification (germline): Uncertain significance (0 of 4 stars; one submission).

Conditions:
PLXNA3-related disorder. Also called: PLXNA3-related condition.

Submission:

PreventionGenetics, part of Exact Sciences
Classification: Uncertain significance for PLXNA3-related condition. Last evaluated: 2024-03-14. Review status: no assertion criteria provided. Collection method: clinical testing. Allele origin: germline.
Comment: The PLXNA3 c.118C>T variant is predicted to result in the amino acid substitution p.Arg40Trp. To our knowledge, this variant has not been reported in the literature. This variant is reported in 0.0063% of alleles in individuals of European (Finnish) descent in gnomAD. At this time, the clinical significance of this variant is uncertain due to the absence of conclusive functional and genetic evidence.

NM_017514.5(PLXNA3):c.118C>T (p.Arg40Trp)

Gene: PLXNA3 (plexin A3; plus strand). Cytogenetic location: Xq28.
Variant type: single nucleotide variant.
Coding change: c.118C>T on transcript NM_017514.5 (MANE Select); coding-DNA position 118, C replaced by T.
Protein change: p.Arg40Trp; replaces arginine 40 with tryptophan.
Molecular consequence: missense variant.
Genome position (GRCh38, 1-based): chrX:154,460,301, C>T. VCF-style: chrX-154460301-C-T. GRCh37 (hg19) VCF-style: chrX-153688641-C-T.
Other names: short protein forms R40W.
Identifiers: ClinVar variation 3356549 (VCV003356549.1).